The following is an entry in ClinVar:

ClinVar aggregate classification (germline): Likely benign (1 of 4 stars; one submission).

Conditions:
PLXNA3-related disorder. Also called: PLXNA3-related condition.

Submission:

PreventionGenetics, part of Exact Sciences
Classification: Likely benign for PLXNA3-related condition. Last evaluated: 2025-06-14. Review status: criteria provided, single submitter. Criteria: ACMG Guidelines, 2015. Collection method: clinical testing. Allele origin: germline.
Comment: This variant is classified as likely benign based on ACMG/AMP sequence variant interpretation guidelines (Richards et al. 2015 PMID: 25741868, with internal and published modifications).

NM_017514.5(PLXNA3):c.124A>T (p.Thr42Ser)

Gene: PLXNA3 (plexin A3; plus strand). Cytogenetic location: Xq28.
Variant type: single nucleotide variant.
Coding change: c.124A>T on transcript NM_017514.5 (MANE Select); coding-DNA position 124, A replaced by T.
Protein change: p.Thr42Ser; replaces threonine 42 with serine.
Molecular consequence: missense variant.
Genome position (GRCh38, 1-based): chrX:154,460,307, A>T. VCF-style: chrX-154460307-A-T. GRCh37 (hg19) VCF-style: chrX-153688647-A-T.
Other names: short protein forms T42S.
Identifiers: ClinVar variation 3348554 (VCV003348554.2).